The following is an entry in ClinVar:

ClinVar aggregate classification (germline): Uncertain significance (1 of 4 stars; one submission).

Submission:

CeGaT Center for Human Genetics Tuebingen
Classification: Uncertain significance. Last evaluated: 2025-12-01. Review status: criteria provided, single submitter. Criteria: CeGaT Center For Human Genetics Tuebingen Variant Classification Criteria Version 2. Collection method: clinical testing. Allele origin: germline. Affected: yes. Observed: 1 variant allele.
Comment: SHANK3: PM2

NM_001372044.2(SHANK3):c.5113G>C (p.Val1705Leu)

Gene: SHANK3 (SH3 and multiple ankyrin repeat domains 3; plus strand). Cytogenetic location: 22q13.33.
Variant type: single nucleotide variant.
Coding change: c.5113G>C on transcript NM_001372044.2 (MANE Select); coding-DNA position 5113, G replaced by C.
Protein change: p.Val1705Leu; replaces valine 1705 with leucine.
Molecular consequence: missense variant.
Genome position (GRCh38, 1-based): chr22:50,731,004, G>C. VCF-style: chr22-50731004-G-C. GRCh37 (hg19) VCF-style: chr22-51169432-G-C.
Other names: short protein forms V1705L.
Identifiers: ClinVar variation 4822804 (VCV004822804.4).